The following is an entry in ClinVar:

NM_017807.4(OSGEP):c.530G>C (p.Gly177Ala)

Gene: OSGEP (O-sialoglycoprotein endopeptidase; minus strand). Cytogenetic location: 14q11.2.
Variant type: single nucleotide variant.
Coding change: c.530G>C on transcript NM_017807.4 (MANE Select); coding-DNA position 530, G replaced by C.
Protein change: p.Gly177Ala; replaces glycine 177 with alanine.
Molecular consequence: missense variant.
Genome position (GRCh38, 1-based): chr14:20,448,991, C>G on the plus strand (G>C on the coding strand, the complement: OSGEP is on the minus strand). VCF-style: chr14-20448991-C-G. GRCh37 (hg19) VCF-style: chr14-20917150-C-G.
Other names: short protein forms G177A.
Identifiers: ClinVar variation 444888 (VCV000444888.9), dbSNP rs778931753, ClinGen allele CA7081183.

ClinVar aggregate classification (germline): Uncertain significance. Review status: criteria provided, multiple submitters, no conflicts (2 of 4 stars). 3 submissions from 3 submitters: Uncertain significance (2). 1 of the submissions does not count toward it. Last evaluated 2025-09-02.

Conditions:
Galloway-Mowat syndrome 3. Identifiers: MedGen C4540266, MONDO:0033007, OMIM 617729.

Allele frequency attached by ClinVar (database versions not stated): ExAC 0.00001; gnomAD exomes 0.00002 and 0.00008; gnomAD 0.00004 and 0.00005; TOPMed 0.00004.
gnomAD v4.1: 127 of 1,613,958 alleles (0.0079%); highest among the groups gnomAD compares: Non-Finnish European, 0.01%; no homozygotes.

Submissions (3):

Labcorp Genetics (formerly Invitae), Labcorp
Classification: Uncertain significance. Last evaluated: 2025-09-02. Review status: criteria provided, single submitter. Criteria: Invitae Variant Classification Sherloc (09022015). Collection method: clinical testing. Allele origin: germline.
Comment: This sequence change replaces glycine, which is neutral and non-polar, with alanine, which is neutral and non-polar, at codon 177 of the OSGEP protein (p.Gly177Ala). This variant is present in population databases (rs778931753, gnomAD 0.004%). This missense change has been observed in individual(s) with Galloway-Mowat syndrome (PMID: 28805828). ClinVar contains an entry for this variant (Variation ID: 444888). Invitae Evidence Modeling of protein sequence and biophysical properties (such as structural, functional, and spatial information, amino acid conservation, physicochemical variation, residue mobility, and thermodynamic stability) indicates that this missense variant is not expected to disrupt OSGEP protein function with a negative predictive value of 80%. In summary, the available evidence is currently insufficient to determine the role of this variant in disease. Therefore, it has been classified as a Variant of Uncertain Significance.

GeneDx
Classification: Uncertain significance. Last evaluated: 2025-02-25. Review status: criteria provided, single submitter. Criteria: GeneDx Variant Classification Process June 2021. Collection method: clinical testing. Allele origin: germline. Affected: yes.
Comment: In silico analysis supports that this missense variant has a deleterious effect on protein structure/function; This variant is associated with the following publications: (PMID: 28805828)

OMIM
Classification: Pathogenic for GALLOWAY-MOWAT SYNDROME 3. Last evaluated: 2017-10-26. Review status: no assertion criteria provided. Collection method: literature only. Allele origin: germline. Not counted in ClinVar's aggregate classification.

Literature cited by the submitters: PubMed 28805828 (cited by Labcorp Genetics (formerly Invitae), Labcorp and OMIM).